The following is an entry in ClinVar:

NM_018060.4(IARS2):c.2566A>T (p.Lys856Ter)

Gene: IARS2 (isoleucyl-tRNA synthetase 2, mitochondrial; plus strand). Cytogenetic location: 1q41.
Variant type: single nucleotide variant.
Coding change: c.2566A>T on transcript NM_018060.4 (MANE Select); coding-DNA position 2566, A replaced by T.
Protein change: p.Lys856Ter; replaces lysine 856 with a stop codon.
Molecular consequence: nonsense.
Genome position (GRCh38, 1-based): chr1:220,142,949, A>T. VCF-style: chr1-220142949-A-T. GRCh37 (hg19) VCF-style: chr1-220316291-A-T.
Other names: short protein forms K856*.
Identifiers: ClinVar variation 3608949 (VCV003608949.1).

ClinVar aggregate classification (germline): Uncertain significance (1 of 4 stars; one submission).

gnomAD v4.1: 13 of 1,608,184 alleles (0.00081%); highest among the groups gnomAD compares: Non-Finnish European, 0.00026%; no homozygotes.

Submission:

Labcorp Genetics (formerly Invitae), Labcorp
Classification: Uncertain significance. Last evaluated: 2025-01-16. Review status: criteria provided, single submitter. Criteria: Invitae Variant Classification Sherloc (09022015). Collection method: clinical testing. Allele origin: germline.
Comment: This sequence change creates a premature translational stop signal (p.Lys856*) in the IARS2 gene. It is expected to result in an absent or disrupted protein product. However, the current clinical and genetic evidence is not sufficient to establish whether loss-of-function variants in IARS2 cause disease. This variant is present in population databases (rs140172974, gnomAD 0.05%). This variant has not been reported in the literature in individuals affected with IARS2-related conditions. Algorithms developed to predict the effect of sequence changes on RNA splicing suggest that this variant may disrupt the consensus splice site. In summary, the available evidence is currently insufficient to determine the role of this variant in disease. Therefore, it has been classified as a Variant of Uncertain Significance.